The following is an entry in ClinVar:

NM_001363711.2(DUOX2):c.1556T>C (p.Phe519Ser)

Gene: DUOX2 (dual oxidase 2; minus strand). Cytogenetic location: 15q21.1.
Variant type: single nucleotide variant.
Coding change: c.1556T>C on transcript NM_001363711.2 (MANE Select); coding-DNA position 1556, T replaced by C.
Protein change: p.Phe519Ser; replaces phenylalanine 519 with serine.
Molecular consequence: missense variant.
Genome position (GRCh38, 1-based): chr15:45,108,065, A>G on the plus strand (T>C on the coding strand, the complement: DUOX2 is on the minus strand). VCF-style: chr15-45108065-A-G. GRCh37 (hg19) VCF-style: chr15-45400263-A-G.
Other names: c.1556T>C, p.Phe519Ser (NM_014080.5); short protein forms F519S.
Identifiers: ClinVar variation 2835034 (VCV002835034.4), dbSNP rs773634625, ClinGen allele CA7538578.

ClinVar aggregate classification (germline): Uncertain significance. Review status: criteria provided, multiple submitters, no conflicts (2 of 4 stars). 2 submissions from 2 submitters: Uncertain significance (2). Last evaluated 2025-03-06.

Conditions:
Thyroid dyshormonogenesis 6 (TDH6). Also called: Genetic transient congenital hypothyroidism; HYPOTHYROIDISM, CONGENITAL, DUE TO DYSHORMONOGENESIS, 6; THYROID HORMONOGENESIS, GENETIC DEFECT IN, 6. Identifiers: Orphanet 226316, Orphanet 95716, MedGen C1846632, MONDO:0011792, OMIM 607200.

Allele frequency attached by ClinVar (database versions not stated): gnomAD exomes 0.00001; ExAC 0.00002; gnomAD 0.00002.
gnomAD v4.1: 16 of 1,613,864 alleles (0.00099%); highest among the groups gnomAD compares: South Asian, 0.0011%; no homozygotes.

Submissions (2):

MVZ Martinsried, Medicover Genetics
Classification: Uncertain significance for Thyroid dyshormonogenesis 6. Last evaluated: 2025-03-06. Review status: criteria provided, single submitter. Criteria: ACGS Guidelines, 2020. Collection method: clinical testing. Allele origin: inherited. Affected: yes. Observed: 1 heterozygote.

Labcorp Genetics (formerly Invitae), Labcorp
Classification: Uncertain significance. Last evaluated: 2023-03-30. Review status: criteria provided, single submitter. Criteria: Invitae Variant Classification Sherloc (09022015). Collection method: clinical testing. Allele origin: germline.
Comment: In summary, the available evidence is currently insufficient to determine the role of this variant in disease. Therefore, it has been classified as a Variant of Uncertain Significance. Advanced modeling of protein sequence and biophysical properties (such as structural, functional, and spatial information, amino acid conservation, physicochemical variation, residue mobility, and thermodynamic stability) performed at Invitae indicates that this missense variant is expected to disrupt DUOX2 protein function. This variant has not been reported in the literature in individuals affected with DUOX2-related conditions. This variant is present in population databases (rs773634625, gnomAD 0.009%). This sequence change replaces phenylalanine, which is neutral and non-polar, with serine, which is neutral and polar, at codon 519 of the DUOX2 protein (p.Phe519Ser).